The following is an entry in ClinVar:

ClinVar aggregate classification (germline): Pathogenic (1 of 4 stars; one submission).

Conditions:
Neuronal ceroid lipofuscinosis 2. Also called: TPP1-Related Neuronal Ceroid-Lipofuscinosis; JANSKY-BIELSCHOWSKY DISEASE NEURONAL CEROID LIPOFUSCINOSIS, LATE INFANTILE. Identifiers: Orphanet 168491, Orphanet 228349, Orphanet 79264, MedGen C1876161, MONDO:0008769, OMIM 204500.

Submission:

Myriad Genetics, Inc.
Classification: Pathogenic for Neuronal ceroid lipofuscinosis 2. Last evaluated: 2025-01-26. Review status: criteria provided, single submitter. Criteria: Myriad Autosomal Dominant, Autosomal Recessive and X-Linked Classification Criteria (2023). Collection method: clinical testing. Allele origin: unknown.
Comment: NM_000391.3(TPP1):c.499_506del8(V167Cfs*18) is expected to be pathogenic in the context of TPP1-related neuronal ceroid lipofuscinosis. This variant is predicted to lead to an abnormal or absent protein product due to the creation of a premature termination codon in TPP1, a gene where loss-of-function variants are known to be pathogenic. Please note: this variant was assessed in the context of healthy population screening.

NM_000391.4(TPP1):c.499_506del (p.Val167fs)

Gene: TPP1 (tripeptidyl peptidase 1; minus strand). Cytogenetic location: 11p15.4.
Variant type: Deletion.
Coding change: c.499_506del on transcript NM_000391.4 (MANE Select); coding-DNA positions 499 to 506, 8 bases deleted (GTGGACTT; older notation c.499_506delGTGGACTT).
Protein change: p.Val167fs; shifts the reading frame from valine 167.
Molecular consequence: frameshift variant.
Genome position (GRCh38, 1-based): chr11:6,617,303-6,617,310, AAGTCCAC deleted on the plus strand (GTGGACTT on the coding strand, the reverse complement: TPP1 is on the minus strand); deleting any 8 consecutive bases within chr11:6,617,303-6,617,311 gives the same sequence; the c. name uses the placement nearest the transcript's 3' end. VCF-style (leftmost placement, unchanged base first): chr11-6617302-AAAGTCCAC-A. GRCh37 (hg19) VCF-style: chr11-6638533-AAAGTCCAC-A.
Other names: short protein forms V167fs.
Identifiers: ClinVar variation 5014021 (VCV005014021.1).
Genomic context (GRCh38, chr11:6,617,302, plus strand): 5'-AAACTTCCTCAGCCCCTGGATCTGTGTGCCCCAACCCCCATTCACCCCATAGGTGTTACC[AAAGTCCAC>A]ATGGGGGGCCAAGGCCTGTGGAAGCTGGTAGGGATGTGGGGACCTTACAACATGGGTTTC-3'